The following is an entry in ClinVar:

ClinVar aggregate classification (germline): Likely benign. Review status: criteria provided, multiple submitters, no conflicts (2 of 4 stars). 4 submissions from 4 submitters: Likely benign (4). Last evaluated 2025-12-21.

Conditions:
Charcot-Marie-Tooth disease axonal type 2O. Also called: CHARCOT-MARIE-TOOTH NEUROPATHY, AXONAL, TYPE 2O; CHARCOT-MARIE-TOOTH DISEASE, AXONAL, AUTOSOMAL DOMINANT, TYPE 2O; Charcot-Marie-Tooth disease, axonal, type 20; Charcot-Marie-Tooth Neuropathy Type 2O. Identifiers: Orphanet 284232, MedGen C3280220, MONDO:0013644, OMIM 614228.
DYNC1H1-related disorder. Also called: DYNC1H1-related condition; DYNC1H1-related disorders. Identifiers: MedGen CN381529.

Allele frequency attached by ClinVar (database versions not stated): gnomAD exomes 0.00002; ExAC 0.00005; TOPMed 0.00005; gnomAD 0.00006; ESP Exome Variant Server 0.00015.
gnomAD v4.1: 53 of 1,614,014 alleles (0.0033%); highest among the groups gnomAD compares: Non-Finnish European, 0.0041%; no homozygotes.

Submissions (4):

Labcorp Genetics (formerly Invitae), Labcorp
Classification: Likely benign for Charcot-Marie-Tooth disease axonal type 2O. Last evaluated: 2025-12-21. Review status: criteria provided, single submitter. Criteria: Invitae Variant Classification Sherloc (09022015). Collection method: clinical testing. Allele origin: germline.

PreventionGenetics, part of Exact Sciences
Classification: Likely benign for DYNC1H1-related condition. Last evaluated: 2025-04-21. Review status: criteria provided, single submitter. Criteria: ACMG Guidelines, 2015. Collection method: clinical testing. Allele origin: germline.
Comment: This variant is classified as likely benign based on ACMG/AMP sequence variant interpretation guidelines (Richards et al. 2015 PMID: 25741868, with internal and published modifications).

Women's Health and Genetics/Laboratory Corporation of America, LabCorp
Classification: Likely benign. Last evaluated: 2024-04-25. Review status: criteria provided, single submitter. Criteria: LabCorp Variant Classification Summary - May 2015. Collection method: clinical testing. Allele origin: germline.

GeneDx
Classification: Likely benign. Last evaluated: 2021-06-26. Review status: criteria provided, single submitter. Criteria: GeneDx Variant Classification Process June 2021. Collection method: clinical testing. Allele origin: germline. Affected: yes.

NM_001376.5(DYNC1H1):c.11388C>T (p.Thr3796=)

Gene: DYNC1H1 (dynein cytoplasmic 1 heavy chain 1; plus strand). Cytogenetic location: 14q32.31.
Variant type: single nucleotide variant.
Coding change: c.11388C>T on transcript NM_001376.5 (MANE Select); coding-DNA position 11388, C replaced by T.
Protein change: p.Thr3796=; no amino-acid change (threonine 3796 retained).
Molecular consequence: synonymous variant.
Genome position (GRCh38, 1-based): chr14:102,039,182, C>T. VCF-style: chr14-102039182-C-T. GRCh37 (hg19) VCF-style: chr14-102505519-C-T.
Identifiers: ClinVar variation 539804 (VCV000539804.16), dbSNP rs149806996, ClinGen allele CA7353579.
Genomic context (GRCh38, chr14:102,039,182, plus strand): 5'-GGCTGCAGAGGTCACCAGGAAAGTTGAGGAGACGGACATTGTCATGCAGGAGGTGGAGAC[C>T]GTGTCCCAGCAGTACCTCCCGCTCTCCACCGCCTGCAGCAGCATCTACTTCACCATGGAG-3'
Protein context (NP_001367.2, residues 3786-3806): ETDIVMQEVE[Thr3796=]VSQQYLPLST